The following is an entry in ClinVar:

ClinVar aggregate classification (germline): Conflicting classifications of pathogenicity. Review status: criteria provided, conflicting classifications (1 of 4 stars). 5 submissions from 4 submitters: Uncertain significance (4); Likely benign (1). Last evaluated 2024-10-24.

Conditions:
ALS2-related motor neuron disease. Identifiers: MedGen CN323278, MONDO:0100227.
Amyotrophic lateral sclerosis type 2, juvenile. Also called: ALS, JUVENILE; Amyotrophic lateral sclerosis type 2. Identifiers: Orphanet 300605, MedGen C1859807, MONDO:0008780, OMIM 205100.
ALS2-related disorder. Also called: ALS2-related disorders; ALS2-related condition; ALS2-Related Spectrum Disorders. Identifiers: MedGen CN169291.
Inborn genetic diseases. Identifiers: MedGen C0950123, MeSH D030342.
Infantile-onset ascending hereditary spastic paralysis (IAHSP). Also called: Autosomal Recessive Juvenile Amyotrophic Lateral Sclerosis; Infantile-Onset Ascending Hereditary Spastic Paralysis (IAHSP). Identifiers: Orphanet 293168, MedGen C2931441, MONDO:0011797, OMIM 607225. Disease mechanism: loss of function.

Allele frequency attached by ClinVar (database versions not stated): TOPMed 0.00002; gnomAD 0.00005; gnomAD exomes 0.00001.
gnomAD v4.1: 28 of 1,614,110 alleles (0.0017%); highest among the groups gnomAD compares: Non-Finnish European, 0.0014%; no homozygotes.

Submissions (5):

Labcorp Genetics (formerly Invitae), Labcorp
Classification: Uncertain significance for Infantile-onset ascending hereditary spastic paralysis. Last evaluated: 2024-10-24. Review status: criteria provided, single submitter. Criteria: Invitae Variant Classification Sherloc (09022015). Collection method: clinical testing. Allele origin: germline.
Comment: This sequence change replaces serine, which is neutral and polar, with asparagine, which is neutral and polar, at codon 1328 of the ALS2 protein (p.Ser1328Asn). This variant is present in population databases (no rsID available, gnomAD 0.03%). This variant has not been reported in the literature in individuals affected with ALS2-related conditions. ClinVar contains an entry for this variant (Variation ID: 896447). Invitae Evidence Modeling of protein sequence and biophysical properties (such as structural, functional, and spatial information, amino acid conservation, physicochemical variation, residue mobility, and thermodynamic stability) indicates that this missense variant is not expected to disrupt ALS2 protein function with a negative predictive value of 80%. In summary, the available evidence is currently insufficient to determine the role of this variant in disease. Therefore, it has been classified as a Variant of Uncertain Significance.

Ambry Genetics
Classification: Likely benign for Inborn genetic diseases. Last evaluated: 2023-06-21. Review status: criteria provided, single submitter. Criteria: Ambry Variant Classification Scheme 2023. Collection method: clinical testing. Allele origin: germline.

Department of Pathology and Laboratory Medicine, Sinai Health System
Classification: Uncertain significance for ALS2-related motor neuron disease. Last evaluated: 2020-07-14. Review status: criteria provided, single submitter. Criteria: ACMG Guidelines, 2015. Collection method: research. Allele origin: germline.

Illumina Laboratory Services, Illumina
Classification: Uncertain significance for Amyotrophic lateral sclerosis type 2. Last evaluated: 2018-01-13. Review status: criteria provided, single submitter. Criteria: ICSL Variant Classification Criteria 13 December 2019. Collection method: clinical testing. Allele origin: germline.

Illumina Laboratory Services, Illumina
Classification: Uncertain significance for ALS2-Related Disorders. Last evaluated: 2018-01-13. Review status: criteria provided, single submitter. Criteria: ICSL Variant Classification Criteria 13 December 2019. Collection method: clinical testing. Allele origin: germline.

NM_020919.4(ALS2):c.3983G>A (p.Ser1328Asn)

Gene: ALS2 (alsin Rho guanine nucleotide exchange factor ALS2; minus strand). Cytogenetic location: 2q33.1.
Variant type: single nucleotide variant.
Coding change: c.3983G>A on transcript NM_020919.4 (MANE Select); coding-DNA position 3983, G replaced by A.
Protein change: p.Ser1328Asn; replaces serine 1328 with asparagine.
Molecular consequence: missense variant.
Genome position (GRCh38, 1-based): chr2:201,715,693, C>T on the plus strand (G>A on the coding strand, the complement: ALS2 is on the minus strand). VCF-style: chr2-201715693-C-T. GRCh37 (hg19) VCF-style: chr2-202580416-C-T.
Other names: short protein forms S1328N.
Identifiers: ClinVar variation 896447 (VCV000896447.11), dbSNP rs1242751535, ClinGen allele CA350317000.